The following is an entry in ClinVar:

ClinVar aggregate classification (germline): Likely benign. Review status: criteria provided, multiple submitters, no conflicts (2 of 4 stars). 2 submissions from 2 submitters: Likely benign (2). Last evaluated 2026-06-09.

Conditions:
Methylcobalamin deficiency type cblE (HMAE). Also called: VITAMIN B12-RESPONSIVE HOMOCYSTINURIA, cblE TYPE; HOMOCYSTINURIA-MEGALOBLASTIC ANEMIA, cblE COMPLEMENTATION TYPE; HOMOCYSTINURIA-MEGALOBLASTIC ANEMIA, cblE TYPE. Identifiers: Orphanet 2169, Orphanet 622, MedGen C1856057, MONDO:0009354, OMIM 236270.
MTRR-related disorder. Also called: MTRR-related condition.

Allele frequency attached by ClinVar (database versions not stated): gnomAD 0.00009; TOPMed 0.00009; ESP Exome Variant Server 0.00015; gnomAD exomes 0.00001 and 0.00002; ExAC 0.00002.
gnomAD v4.1: 25 of 1,613,636 alleles (0.0015%); highest among the groups gnomAD compares: African/African-American, 0.021%; no homozygotes.

Submissions (2):

PreventionGenetics, part of Exact Sciences
Classification: Likely benign for MTRR-related condition. Last evaluated: 2026-06-09. Review status: criteria provided, single submitter. Criteria: ACMG Guidelines, 2015. Collection method: clinical testing. Allele origin: germline.
Comment: This variant is classified as likely benign based on ACMG/AMP sequence variant interpretation guidelines (Richards et al. 2015 PMID: 25741868, with internal and published modifications).

Labcorp Genetics (formerly Invitae), Labcorp
Classification: Likely benign for Methylcobalamin deficiency type cblE. Last evaluated: 2025-10-06. Review status: criteria provided, single submitter. Criteria: Invitae Variant Classification Sherloc (09022015). Collection method: clinical testing. Allele origin: germline.

NM_002454.3(MTRR):c.495C>T (p.Gly165=)

Gene: MTRR (5-methyltetrahydrofolate-homocysteine methyltransferase reductase; plus strand). Cytogenetic location: 5p15.31.
Variant type: single nucleotide variant.
Coding change: c.495C>T on transcript NM_002454.3 (MANE Select); coding-DNA position 495, C replaced by T.
Protein change: p.Gly165=; no amino-acid change (glycine 165 retained).
Molecular consequence: synonymous variant. On other transcripts: non-coding transcript variant (14).
Genome position (GRCh38, 1-based): chr5:7,878,037, C>T. VCF-style: chr5-7878037-C-T. GRCh37 (hg19) VCF-style: chr5-7878150-C-T.
Other names: c.495C>T, p.Gly165= (NM_001364440.2, NM_001364441.2, NM_001364442.2 and 1 more transcripts); c.495C>T (NM_002454.2).
Identifiers: ClinVar variation 1085091 (VCV001085091.10), dbSNP rs139333376, ClinGen allele CA3195613.